The following is an entry in ClinVar:

NM_007294.4(BRCA1):c.5402G>A (p.Gly1801Asp)

Gene: BRCA1 (BRCA1 DNA repair associated; minus strand). Cytogenetic location: 17q21.31.
Variant type: single nucleotide variant.
Coding change: c.5402G>A on transcript NM_007294.4 (MANE Select); coding-DNA position 5402, G replaced by A.
Protein change: p.Gly1801Asp; replaces glycine 1801 with aspartic acid.
Molecular consequence: missense variant. On other transcripts: non-coding transcript variant (1), intron variant (1).
Genome position (GRCh38, 1-based): chr17:43,049,125, C>T on the plus strand (G>A on the coding strand, the complement: BRCA1 is on the minus strand). VCF-style: chr17-43049125-C-T. GRCh37 (hg19) VCF-style: chr17-41201142-C-T.
Other names: p.G1801D:GGC>GAC; c.5189G>A, p.Gly1730Asp (NM_001407571.1, NM_001407906.1, NM_001407907.1 and 12 more transcripts); c.5468G>A, p.Gly1823Asp (NM_001407581.1, NM_001407582.1); c.5465G>A, p.Gly1822Asp (NM_001407583.1, NM_001407585.1, NM_001407587.1 and 1 more transcripts); c.5462G>A, p.Gly1821Asp (NM_001407590.1, NM_001407591.1); c.5402G>A, p.Gly1801Asp (NM_001407593.1, NM_001407594.1, NM_001407596.1 and 5 more transcripts); c.5399G>A, p.Gly1800Asp (NM_001407610.1, NM_001407611.1, NM_001407612.1 and 14 more transcripts); c.5396G>A, p.Gly1799Asp (NM_001407627.1, NM_001407628.1, NM_001407629.1 and 13 more transcripts); and 74 more; short protein forms G1801D, G1754D, G1822D, G697D, G1504D, G1647D, G1799D, G521D.
Identifiers: ClinVar variation 142834 (VCV000142834.26), dbSNP rs531210457, ClinGen allele CA003552.
Genomic context (GRCh38, chr17:43,049,125, plus strand): 5'-TGCTCACAGGAGAGAATATTGTGTCCTCCCTCTCTGACAGGGCACCCAATACTTACTGTG[C>T]CAAGGGTGAATGATGAAAGCTCCTTCACCACAGAAGCACCACACAGCTGTACCATCCATT-3'
Protein context (NP_009225.1, residues 1791-1811): VVKELSSFTL[Gly1801Asp]TGVHPIVVVQ

ClinVar aggregate classification (germline): Conflicting classifications of pathogenicity. Review status: criteria provided, conflicting classifications (1 of 4 stars). 9 submissions from 9 submitters: Uncertain significance (2); Benign (4); Likely benign (3). Last evaluated 2026-01-06.

Conditions:
Inherited ovarian cancer (without breast cancer).
Hereditary cancer-predisposing syndrome. Also called: Tumor predisposition; Hereditary neoplastic syndrome; Hereditary Cancer Syndrome; Neoplastic Syndromes, Hereditary. Identifiers: Orphanet 140162, MedGen C0027672, MeSH D009386, MONDO:0015356.
Hereditary breast ovarian cancer syndrome. Also called: Hereditary breast and/or ovarian cancer syndrome; Breast and ovarian cancer; Hereditary breast and ovarian cancer syndrome; Hereditary breast and ovarian cancer; Hereditary breast and ovarian cancer syndrome (HBOC); BRCA1- and BRCA2-Associated Hereditary Breast and Ovarian Cancer. Identifiers: Orphanet 145, MedGen C0677776, MeSH D061325, MONDO:0003582. Disease mechanism: loss of function.
Breast-ovarian cancer, familial, susceptibility to, 1 (BROVCA1). Also called: BRCA1 Hereditary Breast and Ovarian Cancer; OVARIAN CANCER, SUSCEPTIBILITY TO. Identifiers: Orphanet 145, MedGen C2676676, MONDO:0011450, OMIM 604370. Disease mechanism: loss of function.

Allele frequency attached by ClinVar (database versions not stated): gnomAD 0.00001; gnomAD exomes 0.00001 and 0.00002; ExAC 0.00004; 1000 Genomes Project 30x 0.00016; 1000 Genomes Project 0.00020.
gnomAD v4.1: 19 of 1,613,860 alleles (0.0012%); highest among the groups gnomAD compares: South Asian, 0.02%; no homozygotes.

Submissions (10):

Labcorp Genetics (formerly Invitae), Labcorp
Classification: Benign for Hereditary breast ovarian cancer syndrome. Last evaluated: 2026-01-06. Review status: criteria provided, single submitter. Criteria: Invitae Variant Classification Sherloc (09022015). Collection method: clinical testing. Allele origin: germline.

Quest Diagnostics Nichols Institute San Juan Capistrano
Classification: Uncertain significance. Last evaluated: 2025-04-03. Review status: criteria provided, single submitter. Criteria: Quest Diagnostics criteria. Collection method: clinical testing. Allele origin: unknown.
Comment: The BRCA1 c.5402G>A (p.Gly1801Asp) variant has been reported in the published literature in individuals with breast and/or ovarian cancer (PMIDs: 22752604 (2012), 30555256 (2018), 36200007 (2022)). Additionally, an in vitro functional study showed this variant causes little or no functional impact on homology-directed recombination (PMID 26689913 (2015)), while another functional study demonstrated that this variant retained functional activity in a large-scale study using a haploid cell line (PMID: 30209399 (2018)). The frequency of this variant in the general population (Genome Aggregation Database) is uninformative in the assessment of its pathogenicity. Analysis of this variant using bioinformatics tools for the prediction of the effect of amino acid changes on protein structure and function yielded conflicting predictions that this variant is deleterious or benign. Based on the available information, we are unable to determine the clinical significance of this variant.

Genomics and Molecular Medicine Service, East Genomic Laboratory Hub, NHS Genomic Medicine Service
Classification: Uncertain significance for Inherited ovarian cancer (without breast cancer). Last evaluated: 2024-05-06. Review status: criteria provided, single submitter. Criteria: ACGS Best Practice Guidelines for Variant Classification in Rare Disease 2020. Collection method: clinical testing. Allele origin: germline. Affected: yes.
Comment: BS3_Strong

All of Us Research Program, National Institutes of Health
Classification: Benign for Breast-ovarian cancer, familial, susceptibility to, 1. Last evaluated: 2024-01-03. Review status: criteria provided, single submitter. Criteria: ACMG Guidelines, 2015. Collection method: clinical testing. Allele origin: germline. Inheritance: Autosomal dominant inheritance. Observed: 6 variant alleles, 6 heterozygotes.
Comment: This study involves interpretation of variants in research participants for the purpose of population health screening. Participant phenotype was not available at the time of variant classification. Additional details can be found in publication PMID: 35346344, PMCID: PMC8962531

Women's Health and Genetics/Laboratory Corporation of America, LabCorp
Classification: Benign. Last evaluated: 2021-01-30. Review status: criteria provided, single submitter. Criteria: LabCorp Variant Classification Summary - May 2015. Collection method: clinical testing. Allele origin: germline.
Comment: Variant summary: BRCA1 c.5402G>A (p.Gly1801Asp) results in a non-conservative amino acid change located in the BRCT domain (IPR001357) of the encoded protein sequence. Four of five in-silico tools predict a benign effect of the variant on protein function. The variant allele was found at a frequency of 2.4e-05 in 251420 control chromosomes. The available data on variant occurrences in the general population are insufficient to allow any conclusion about variant significance. c.5402G>A has been reported in the literature in individuals affected with breast and ovarian cancer (e.g. Mehta_2018, Manie_2016) and as an unclassified variant in at-least two relatives of patients with early-onset breast cancer (Juwle_2012) without strong evidence of causality. These report(s) do not provide unequivocal conclusions about association of the variant with Hereditary Breast And Ovarian Cancer Syndrome. At least two publications report experimental evidence evaluating an impact on homology directed repair (HDR) activity (example, Lu_2015, Findlay_2018). Both studies no impact of this variant on HDR activity. Four clinical diagnostic laboratories have submitted clinical-significance assessments for this variant to ClinVar after 2014 without evidence for independent evaluation. All laboratories classified the variant as benign/likely benign. Based on the evidence outlined above, the variant was classified as benign.

Sema4
Classification: Likely benign for Hereditary cancer-predisposing syndrome. Last evaluated: 2021-01-27. Review status: criteria provided, single submitter. Criteria: Sema4 Curation Guidelines. Collection method: curation. Allele origin: germline.

GeneDx
Classification: Likely benign. Last evaluated: 2020-03-02. Review status: criteria provided, single submitter. Criteria: GeneDx Variant Classification Process June 2021. Collection method: clinical testing. Allele origin: germline. Affected: yes.
Comment: This variant is associated with the following publications: (PMID: 24265153, 26689913, 22752604, 30209399, 30555256, 33087888)

Ambry Genetics
Classification: Likely benign for Hereditary cancer-predisposing syndrome. Last evaluated: 2019-07-26. Review status: criteria provided, single submitter. Criteria: Ambry Variant Classification Scheme 2023. Collection method: clinical testing. Allele origin: germline.

Color Diagnostics, LLC DBA Color Health
Classification: Benign for Hereditary cancer-predisposing syndrome. Last evaluated: 2016-06-06. Review status: criteria provided, single submitter. Criteria: ACMG Guidelines, 2015. Collection method: clinical testing. Allele origin: germline.

Brotman Baty Institute, University of Washington
No classification provided (evidence only). Condition: Breast-ovarian cancer, familial 1. Review status: no classification provided. Collection method: in vitro. Allele origin: not applicable. Functional consequence: functionally_normal. Not counted in ClinVar's aggregate classification.
ClinVar note: "not provided" was previously submitted as the classification for the variant. However, the classification appeared to be based only on an observation of functional data so it was converted to no classification on 2025-07-30.

Literature cited by the submitters: PubMed 22752604 (cited by 3 submitters); PubMed 26689913 (cited by 3 submitters); PubMed 33087888 (cited by Quest Diagnostics Nichols Institute San Juan Capistrano); PubMed 36200007 (cited by Quest Diagnostics Nichols Institute San Juan Capistrano); PubMed 37970346 (cited by Quest Diagnostics Nichols Institute San Juan Capistrano); PubMed 16287141 (cited by Quest Diagnostics Nichols Institute San Juan Capistrano); PubMed 30209399 (cited by 3 submitters); PubMed 30555256 (cited by 3 submitters); PubMed 26317927 (cited by Women's Health and Genetics/Laboratory Corporation of America, LabCorp).